The following is an entry in ClinVar:

ClinVar aggregate classification (germline): Uncertain significance (1 of 4 stars; one submission).

Conditions:
Primary ciliary dyskinesia. Also called: Ciliary dyskinesia. Identifiers: Orphanet 244, MedGen C0008780, MONDO:0016575, HP:0012265.

Submission:

Ambry Genetics
Classification: Uncertain significance for Primary ciliary dyskinesia. Last evaluated: 2025-12-08. Review status: criteria provided, single submitter. Criteria: Ambry Variant Classification Scheme 2023. Collection method: clinical testing. Allele origin: germline.
Comment: The p.P651S variant (also known as c.1951C>T), located in coding exon 12 of the ARMC4 gene, results from a C to T substitution at nucleotide position 1951. The proline at codon 651 is replaced by serine, an amino acid with similar properties. This amino acid position is conserved. In addition, this alteration is predicted to be deleterious by in silico analysis. Based on the available evidence, the clinical significance of this variant remains unclear.

NM_018076.5(ODAD2):c.1951C>T (p.Pro651Ser)

Gene: ODAD2 (outer dynein arm docking complex subunit 2; minus strand). Cytogenetic location: 10p12.1.
Variant type: single nucleotide variant.
Coding change: c.1951C>T on transcript NM_018076.5 (MANE Select); coding-DNA position 1951, C replaced by T.
Protein change: p.Pro651Ser; replaces proline 651 with serine.
Molecular consequence: missense variant.
Genome position (GRCh38, 1-based): chr10:27,940,598, G>A on the plus strand (C>T on the coding strand, the complement: ODAD2 is on the minus strand). VCF-style: chr10-27940598-G-A. GRCh37 (hg19) VCF-style: chr10-28229527-G-A.
Other names: c.1951C>T, p.Pro651Ser (NM_001290020.2); c.526C>T, p.Pro176Ser (NM_001290021.2); c.1027C>T, p.Pro343Ser (NM_001312689.2); short protein forms P343S, P176S, P651S.
Identifiers: ClinVar variation 4632050 (VCV004632050.1).